The following is an entry in ClinVar:

NM_001429.4(EP300):c.4036A>G (p.Ser1346Gly)

Gene: EP300 (EP300 lysine acetyltransferase; plus strand). Cytogenetic location: 22q13.2.
Variant type: single nucleotide variant.
Coding change: c.4036A>G on transcript NM_001429.4 (MANE Select); coding-DNA position 4036, A replaced by G.
Protein change: p.Ser1346Gly; replaces serine 1346 with glycine.
Molecular consequence: missense variant.
Genome position (GRCh38, 1-based): chr22:41,168,731, A>G. VCF-style: chr22-41168731-A-G. GRCh37 (hg19) VCF-style: chr22-41564735-A-G.
Other names: c.3958A>G, p.Ser1320Gly (NM_001362843.2); short protein forms S1320G, S1346G.
Identifiers: ClinVar variation 4811858 (VCV004811858.3).

ClinVar aggregate classification (germline): Uncertain significance. Review status: criteria provided, multiple submitters, no conflicts (2 of 4 stars). 2 submissions from 2 submitters: Uncertain significance (2). Last evaluated 2026-05-01.

Conditions:
Rubinstein-Taybi syndrome due to EP300 haploinsufficiency. Also called: EP300-Related Rubinstein-Taybi Syndrome; RUBINSTEIN-TAYBI SYNDROME 2. Identifiers: Orphanet 353284, Orphanet 783, MedGen C3150941, MONDO:0013364, OMIM 613684.

Submissions (2):

CeGaT Center for Human Genetics Tuebingen
Classification: Uncertain significance. Last evaluated: 2026-05-01. Review status: criteria provided, single submitter. Criteria: CeGaT Center For Human Genetics Tuebingen Variant Classification Criteria Version 2. Collection method: clinical testing. Allele origin: germline. Affected: yes. Observed: 1 variant allele.
Comment: EP300: PM2

Labcorp Genetics (formerly Invitae), Labcorp
Classification: Uncertain significance for Rubinstein-Taybi syndrome due to EP300 haploinsufficiency. Last evaluated: 2025-02-12. Review status: criteria provided, single submitter. Criteria: Invitae Variant Classification Sherloc (09022015). Collection method: clinical testing. Allele origin: germline.
Comment: This sequence change replaces serine, which is neutral and polar, with glycine, which is neutral and non-polar, at codon 1346 of the EP300 protein (p.Ser1346Gly). This variant is not present in population databases (gnomAD no frequency). This variant has not been reported in the literature in individuals affected with EP300-related conditions. Invitae Evidence Modeling of protein sequence and biophysical properties (such as structural, functional, and spatial information, amino acid conservation, physicochemical variation, residue mobility, and thermodynamic stability) indicates that this missense variant is not expected to disrupt EP300 protein function with a negative predictive value of 80%. In summary, the available evidence is currently insufficient to determine the role of this variant in disease. Therefore, it has been classified as a Variant of Uncertain Significance.